The following is an entry in ClinVar:

NM_000038.6(APC):c.6541A>T (p.Ile2181Leu)

Gene: APC (APC regulator of Wnt signaling pathway; plus strand). Cytogenetic location: 5q22.2.
Variant type: single nucleotide variant.
Coding change: c.6541A>T on transcript NM_000038.6 (MANE Select); coding-DNA position 6541, A replaced by T.
Protein change: p.Ile2181Leu; replaces isoleucine 2181 with leucine.
Molecular consequence: missense variant.
Genome position (GRCh38, 1-based): chr5:112,842,135, A>T. VCF-style: chr5-112842135-A-T. GRCh37 (hg19) VCF-style: chr5-112177832-A-T.
Other names: c.6541A>T, p.Ile2181Leu (NM_001127510.3, NM_001354895.2, NM_001407450.1); c.6487A>T, p.Ile2163Leu (NM_001127511.3); c.6595A>T, p.Ile2199Leu (NM_001354896.2, NM_001407447.1, NM_001407448.1 and 1 more transcripts); c.6571A>T, p.Ile2191Leu (NM_001354897.2); c.6466A>T, p.Ile2156Leu (NM_001354898.2); c.6457A>T, p.Ile2153Leu (NM_001354899.2); c.6418A>T, p.Ile2140Leu (NM_001354900.2); c.6364A>T, p.Ile2122Leu (NM_001354901.2, NM_001407453.1); and 11 more; short protein forms I2080L, I2153L, I2171L, I2209L, I1898L, I2122L, I2055L, I2090L.
Identifiers: ClinVar variation 1754118 (VCV001754118.3), dbSNP rs1766240460, ClinGen allele CA16035642.

ClinVar aggregate classification (germline): Uncertain significance (1 of 4 stars; one submission).

Conditions:
Hereditary cancer-predisposing syndrome. Also called: Neoplastic Syndromes, Hereditary; Tumor predisposition; Hereditary Cancer Syndrome; Hereditary neoplastic syndrome. Identifiers: Orphanet 140162, MedGen C0027672, MeSH D009386, MONDO:0015356.

Submission:

Ambry Genetics
Classification: Uncertain significance for Hereditary cancer-predisposing syndrome. Last evaluated: 2025-06-17. Review status: criteria provided, single submitter. Criteria: Ambry Variant Classification Scheme 2023. Collection method: clinical testing. Allele origin: germline.
Comment: The p.I2181L variant (also known as c.6541A>T), located in coding exon 15 of the APC gene, results from an A to T substitution at nucleotide position 6541. The isoleucine at codon 2181 is replaced by leucine, an amino acid with highly similar properties. This amino acid position is not well conserved in available vertebrate species. In addition, in silico predictors for this gene do not accurately predict pathogenicity. Missense alterations in APC are not a common cause of disease (Spier I et al. Genet Med. 2024 Feb;26(2):100992). Based on the available evidence, the clinical significance of this variant remains unclear.